The following is an entry in ClinVar:

NM_001128840.3(CACNA1D):c.5451T>G (p.Asp1817Glu)

Gene: CACNA1D (calcium voltage-gated channel subunit alpha1 D; plus strand). Cytogenetic location: 3p21.1.
Variant type: single nucleotide variant.
Coding change: c.5451T>G on transcript NM_001128840.3 (MANE Select); coding-DNA position 5451, T replaced by G.
Protein change: p.Asp1817Glu; replaces aspartic acid 1817 with glutamic acid.
Molecular consequence: missense variant.
Genome position (GRCh38, 1-based): chr3:53,803,438, T>G. VCF-style: chr3-53803438-T-G. GRCh37 (hg19) VCF-style: chr3-53837465-T-G.
Other names: c.5379T>G, p.Asp1793Glu (NM_001128839.3); c.5511T>G, p.Asp1837Glu (NM_000720.4); short protein forms D1793E, D1817E, D1837E.
Identifiers: ClinVar variation 4776772 (VCV004776772.1).

ClinVar aggregate classification (germline): Uncertain significance (1 of 4 stars; one submission).

Submission:

Labcorp Genetics (formerly Invitae), Labcorp
Classification: Uncertain significance. Last evaluated: 2026-01-11. Review status: criteria provided, single submitter. Criteria: Invitae Variant Classification Sherloc (09022015). Collection method: clinical testing. Allele origin: germline.
Comment: This sequence change replaces aspartic acid, which is acidic and polar, with glutamic acid, which is acidic and polar, at codon 1837 of the CACNA1D protein (p.Asp1837Glu). This variant is not present in population databases (gnomAD no frequency). This variant has not been reported in the literature in individuals affected with CACNA1D-related conditions. An algorithm developed to predict the effect of missense changes on protein structure and function (PolyPhen-2) suggests that this variant is likely to be tolerated. In summary, the available evidence is currently insufficient to determine the role of this variant in disease. Therefore, it has been classified as a Variant of Uncertain Significance.